The following is an entry in ClinVar:

ClinVar aggregate classification (germline): Uncertain significance (1 of 4 stars; one submission).

Conditions:
Hypoinsulinemic hypoglycemia and body hemihypertrophy. Also called: Hypoinsulinemic hypoglycemia and hemihypertrophy. Identifiers: Orphanet 293964, MedGen C3278384, MONDO:0009416, OMIM 240900.
Type 2 diabetes mellitus. Also called: Type II diabetes mellitus. Identifiers: MedGen C0011860, MeSH D003924, MONDO:0005148, OMIM 125853, HP:0005978.

Submission:

Labcorp Genetics (formerly Invitae), Labcorp
Classification: Uncertain significance for Hypoinsulinemic hypoglycemia and body hemihypertrophy; Type 2 diabetes mellitus. Last evaluated: 2025-01-22. Review status: criteria provided, single submitter. Criteria: Invitae Variant Classification Sherloc (09022015). Collection method: clinical testing. Allele origin: germline.
Comment: This sequence change replaces arginine, which is basic and polar, with leucine, which is neutral and non-polar, at codon 224 of the AKT2 protein (p.Arg224Leu). This variant is present in population databases (rs746407532, gnomAD 0.0009%). This variant has not been reported in the literature in individuals affected with AKT2-related conditions. An algorithm developed to predict the effect of missense changes on protein structure and function (PolyPhen-2) suggests that this variant is likely to be disruptive. In summary, the available evidence is currently insufficient to determine the role of this variant in disease. Therefore, it has been classified as a Variant of Uncertain Significance.

NM_001626.6(AKT2):c.671G>T (p.Arg224Leu)

Gene: AKT2 (AKT serine/threonine kinase 2; minus strand). Cytogenetic location: 19q13.2.
Variant type: single nucleotide variant.
Coding change: c.671G>T on transcript NM_001626.6 (MANE Select); coding-DNA position 671, G replaced by T.
Protein change: p.Arg224Leu; replaces arginine 224 with leucine.
Molecular consequence: missense variant.
Genome position (GRCh38, 1-based): chr19:40,238,942, C>A on the plus strand (G>T on the coding strand, the complement: AKT2 is on the minus strand). VCF-style: chr19-40238942-C-A. GRCh37 (hg19) VCF-style: chr19-40744849-C-A.
Other names: c.485G>T, p.Arg162Leu (NM_001243027.3, NM_001243028.3); c.671G>T, p.Arg224Leu (NM_001330511.1); short protein forms R162L, R224L.
Identifiers: ClinVar variation 3761043 (VCV003761043.2).
Genomic context (GRCh38, chr19:40,238,942, plus strand): 5'-AAGTCAAGGCAGCCGCGGCTCACCTCACCCCCGTTGGCATACTCCATCACAAAGCACAGG[C>A]GGTCGTGGGTCTGGAAGGCATACTTCAGCGCCTGGGGGATGAAGGCAGCAGGGTGGGAGG-3'
Protein context (NP_001617.1, residues 214-234): ALKYAFQTHD[Arg224Leu]LCFVMEYANG